The following is an entry in ClinVar:

ClinVar aggregate classification (germline): Uncertain significance (1 of 4 stars; one submission).

Submission:

Labcorp Genetics (formerly Invitae), Labcorp
Classification: Uncertain significance. Last evaluated: 2025-11-19. Review status: criteria provided, single submitter. Criteria: Invitae Variant Classification Sherloc (09022015). Collection method: clinical testing. Allele origin: germline.
Comment: This sequence change replaces glutamic acid, which is acidic and polar, with lysine, which is basic and polar, at codon 165 of the DCHS1 protein (p.Glu165Lys). This variant is present in population databases (no rsID available, gnomAD 0.003%). This variant has not been reported in the literature in individuals affected with DCHS1-related conditions. Invitae Evidence Modeling of protein sequence and biophysical properties (such as structural, functional, and spatial information, amino acid conservation, physicochemical variation, residue mobility, and thermodynamic stability) indicates that this missense variant is not expected to disrupt DCHS1 protein function with a negative predictive value of 95%. In summary, the available evidence is currently insufficient to determine the role of this variant in disease. Therefore, it has been classified as a Variant of Uncertain Significance.

NM_003737.4(DCHS1):c.493G>A (p.Glu165Lys)

Gene: DCHS1 (dachsous cadherin-related 1; minus strand). Cytogenetic location: 11p15.4.
Variant type: single nucleotide variant.
Coding change: c.493G>A on transcript NM_003737.4 (MANE Select); coding-DNA position 493, G replaced by A.
Protein change: p.Glu165Lys; replaces glutamic acid 165 with lysine.
Molecular consequence: missense variant.
Genome position (GRCh38, 1-based): chr11:6,641,121, C>T on the plus strand (G>A on the coding strand, the complement: DCHS1 is on the minus strand). VCF-style: chr11-6641121-C-T. GRCh37 (hg19) VCF-style: chr11-6662352-C-T.
Other names: short protein forms E165K.
Identifiers: ClinVar variation 4698529 (VCV004698529.1).
Genomic context (GRCh38, chr11:6,641,121, plus strand): 5'-CACCAGATAGCGCATAGCCCTGGGTTCCCAGACGCCCAGCATCTGCATCACGAGCAGGCT[C>T]CAGTGGGTAGCGGGTGCCAAAAGCTGTATGCTCAGGTACCTGCAGGGCAGCCCGAGCCTG-3'
Protein context (NP_003728.1, residues 155-175): HTAFGTRYPL[Glu165Lys]PARDADAGRL